The following is an entry in ClinVar:

ClinVar aggregate classification (germline): Uncertain significance (1 of 4 stars; one submission).

Conditions:
Fanconi anemia (FA). Also called: Fanconi's anemia. Identifiers: Orphanet 84, MedGen C0015625, MeSH D005199, MONDO:0019391.

Submission:

Labcorp Genetics (formerly Invitae), Labcorp
Classification: Uncertain significance for Fanconi anemia. Last evaluated: 2025-05-22. Review status: criteria provided, single submitter. Criteria: Invitae Variant Classification Sherloc (09022015). Collection method: clinical testing. Allele origin: germline.
Comment: This sequence change replaces proline, which is neutral and non-polar, with alanine, which is neutral and non-polar, at codon 1762 of the FANCM protein (p.Pro1762Ala). This variant is not present in population databases (gnomAD no frequency). This variant has not been reported in the literature in individuals affected with FANCM-related conditions. An algorithm developed to predict the effect of missense changes on protein structure and function (PolyPhen-2) suggests that this variant is likely to be tolerated. In summary, the available evidence is currently insufficient to determine the role of this variant in disease. Therefore, it has been classified as a Variant of Uncertain Significance.

NM_020937.4(FANCM):c.5284C>G (p.Pro1762Ala)

Gene: FANCM (FA complementation group M; plus strand). Cytogenetic location: 14q21.2.
Variant type: single nucleotide variant.
Coding change: c.5284C>G on transcript NM_020937.4 (MANE Select); coding-DNA position 5284, C replaced by G.
Protein change: p.Pro1762Ala; replaces proline 1762 with alanine.
Molecular consequence: missense variant.
Genome position (GRCh38, 1-based): chr14:45,189,306, C>G. VCF-style: chr14-45189306-C-G. GRCh37 (hg19) VCF-style: chr14-45658509-C-G.
Other names: c.5206C>G, p.Pro1736Ala (NM_001308133.2); short protein forms P1736A, P1762A.
Identifiers: ClinVar variation 4708985 (VCV004708985.1).